The following is an entry in ClinVar:

NM_001127222.2(CACNA1A):c.1101G>T (p.Arg367Ser)

Gene: CACNA1A (calcium voltage-gated channel subunit alpha1 A; minus strand). Cytogenetic location: 19p13.13.
Variant type: single nucleotide variant.
Coding change: c.1101G>T on transcript NM_001127222.2 (MANE Select); coding-DNA position 1101, G replaced by T.
Protein change: p.Arg367Ser; replaces arginine 367 with serine.
Molecular consequence: missense variant.
Genome position (GRCh38, 1-based): chr19:13,334,475, C>A on the plus strand (G>T on the coding strand, the complement: CACNA1A is on the minus strand). VCF-style: chr19-13334475-C-A. GRCh37 (hg19) VCF-style: chr19-13445289-C-A.
Other names: c.1101G>T, p.Arg367Ser (NM_000068.4, NM_001127221.2, NM_001174080.2 and 1 more transcripts); short protein forms R367S.
Identifiers: ClinVar variation 4789731 (VCV004789731.1).

ClinVar aggregate classification (germline): Uncertain significance (1 of 4 stars; one submission).

Conditions:
Episodic ataxia type 2 (EA2). Also called: ACETAZOLAMIDE-RESPONSIVE HEREDITARY PAROXYSMAL CEREBELLAR ATAXIA; ATAXIA, EPISODIC, WITH NYSTAGMUS; ATAXIA, FAMILIAL PAROXYSMAL; CEREBELLAR ATAXIA, PAROXYSMAL, ACETAZOLAMIDE-RESPONSIVE; CEREBELLOPATHY, HEREDITARY PAROXYSMAL; EPISODIC ATAXIA, NYSTAGMUS-ASSOCIATED. Identifiers: Orphanet 97, MedGen C1720416, MONDO:0007163, OMIM 108500.
Developmental and epileptic encephalopathy, 42 (DEE42A). Also called: Epileptic encephalopathy, early infantile, 42; DEVELOPMENTAL AND EPILEPTIC ENCEPHALOPATHY 42A; EPILEPTIC ENCEPHALOPATHY, EARLY INFANTILE, 42A. Identifiers: MedGen C4310716, MONDO:0014917, OMIM 617106.

Submission:

Labcorp Genetics (formerly Invitae), Labcorp
Classification: Uncertain significance for Developmental and epileptic encephalopathy, 42; Episodic ataxia type 2. Last evaluated: 2025-12-21. Review status: criteria provided, single submitter. Criteria: Invitae Variant Classification Sherloc (09022015). Collection method: clinical testing. Allele origin: germline.
Comment: This sequence change replaces arginine, which is basic and polar, with serine, which is neutral and polar, at codon 367 of the CACNA1A protein (p.Arg367Ser). This variant is not present in population databases (gnomAD no frequency). This missense change has been observed in individual(s) with clinical features of familial hemiplegic migraine (internal data). Invitae Evidence Modeling of protein sequence and biophysical properties (such as structural, functional, and spatial information, amino acid conservation, physicochemical variation, residue mobility, and thermodynamic stability) has been performed for this missense variant. However, the output from this modeling did not meet the statistical confidence thresholds required to predict the impact of this variant on CACNA1A protein function. In summary, the available evidence is currently insufficient to determine the role of this variant in disease. Therefore, it has been classified as a Variant of Uncertain Significance.